The following is an entry in ClinVar:

ClinVar aggregate classification (germline): Uncertain significance. Review status: criteria provided, multiple submitters, no conflicts (2 of 4 stars). 2 submissions from 2 submitters: Uncertain significance (2). Last evaluated 2025-02-25.

Conditions:
TCOF1-related disorder. Also called: TCOF1-related condition.
Treacher Collins syndrome 1 (TCS1). Also called: TCOF1-Related Treacher Collins Syndrome. Identifiers: Orphanet 861, MedGen CN315775, MONDO:0007944, OMIM 154500.

Allele frequency attached by ClinVar (database versions not stated): ExAC 0.00003; gnomAD exomes 0.00003; TOPMed 0.00003; gnomAD 0.00005.
gnomAD v4.1: 87 of 1,613,690 alleles (0.0054%); highest among the groups gnomAD compares: South Asian, 0.013%; no homozygotes.

Submissions (2):

Labcorp Genetics (formerly Invitae), Labcorp
Classification: Uncertain significance for Treacher Collins syndrome 1. Last evaluated: 2025-02-25. Review status: criteria provided, single submitter. Criteria: Invitae Variant Classification Sherloc (09022015). Collection method: clinical testing. Allele origin: germline.
Comment: This sequence change replaces proline, which is neutral and non-polar, with leucine, which is neutral and non-polar, at codon 180 of the TCOF1 protein (p.Pro180Leu). This variant is present in population databases (rs779174758, gnomAD 0.008%). This variant has not been reported in the literature in individuals affected with TCOF1-related conditions. ClinVar contains an entry for this variant (Variation ID: 939425). Invitae Evidence Modeling of protein sequence and biophysical properties (such as structural, functional, and spatial information, amino acid conservation, physicochemical variation, residue mobility, and thermodynamic stability) indicates that this missense variant is not expected to disrupt TCOF1 protein function with a negative predictive value of 80%. In summary, the available evidence is currently insufficient to determine the role of this variant in disease. Therefore, it has been classified as a Variant of Uncertain Significance.

PreventionGenetics, part of Exact Sciences
Classification: Uncertain significance for TCOF1-related condition. Last evaluated: 2024-12-13. Review status: criteria provided, single submitter. Criteria: ACMG Guidelines, 2015. Collection method: clinical testing. Allele origin: germline.
Comment: The TCOF1 c.539C>T variant is predicted to result in the amino acid substitution p.Pro180Leu. To our knowledge, this variant has not been reported in the literature. This variant is reported in 0.0080% of alleles in individuals of African descent in gnomAD. At this time, the clinical significance of this variant is uncertain due to the absence of conclusive functional and genetic evidence.

NM_001371623.1(TCOF1):c.539C>T (p.Pro180Leu)

Gene: TCOF1 (treacle ribosome biogenesis factor 1; plus strand). Cytogenetic location: 5q32.
Variant type: single nucleotide variant.
Coding change: c.539C>T on transcript NM_001371623.1 (MANE Select); coding-DNA position 539, C replaced by T.
Protein change: p.Pro180Leu; replaces proline 180 with leucine.
Molecular consequence: missense variant.
Genome position (GRCh38, 1-based): chr5:150,368,876, C>T. VCF-style: chr5-150368876-C-T. GRCh37 (hg19) VCF-style: chr5-149748439-C-T.
Other names: c.539C>T, p.Pro180Leu (NM_000356.4, NM_001008657.3, NM_001135243.2 and 3 more transcripts); short protein forms P180L.
Identifiers: ClinVar variation 939425 (VCV000939425.11), dbSNP rs779174758, ClinGen allele CA3510581.